The following is an entry in ClinVar:

ClinVar aggregate classification (germline): Uncertain significance (1 of 4 stars; one submission).

Conditions:
RASopathy. Also called: Noonan spectrum disorder; rasopathies. Identifiers: Orphanet 536391, MedGen C5555857, MONDO:0021060.

Submission:

Labcorp Genetics (formerly Invitae), Labcorp
Classification: Uncertain significance for RASopathy. Last evaluated: 2021-09-12. Review status: criteria provided, single submitter. Criteria: Invitae Variant Classification Sherloc (09022015). Collection method: clinical testing. Allele origin: germline.
Comment: Advanced modeling of protein sequence and biophysical properties (such as structural, functional, and spatial information, amino acid conservation, physicochemical variation, residue mobility, and thermodynamic stability) performed at Invitae indicates that this missense variant is expected to disrupt CBL protein function. In summary, the available evidence is currently insufficient to determine the role of this variant in disease. Therefore, it has been classified as a Variant of Uncertain Significance. This variant has not been reported in the literature in individuals affected with CBL-related conditions. This variant is not present in population databases (ExAC no frequency). This sequence change replaces valine with alanine at codon 363 of the CBL protein (p.Val363Ala). The valine residue is highly conserved and there is a small physicochemical difference between valine and alanine.

NM_005188.4(CBL):c.1088T>C (p.Val363Ala)

Gene: CBL (Cbl proto-oncogene; plus strand). Cytogenetic location: 11q23.3.
Variant type: single nucleotide variant.
Coding change: c.1088T>C on transcript NM_005188.4 (MANE Select); coding-DNA position 1088, T replaced by C.
Protein change: p.Val363Ala; replaces valine 363 with alanine.
Molecular consequence: missense variant.
Genome position (GRCh38, 1-based): chr11:119,277,837, T>C. VCF-style: chr11-119277837-T-C. GRCh37 (hg19) VCF-style: chr11-119148547-T-C.
Other names: short protein forms V363A.
Identifiers: ClinVar variation 1445043 (VCV001445043.6), dbSNP rs1592400621, ClinGen allele CA382912093.